The following is an entry in ClinVar:

ClinVar aggregate classification (germline): Uncertain significance. Review status: criteria provided, single submitter (1 of 4 stars). 2 submissions from 2 submitters: Uncertain significance (1). 1 of the submissions does not count toward it. Last evaluated 2025-08-27.

Conditions:
USH2A-related disorder. Also called: USH2A-related disorders; USH2A-related condition. Identifiers: MedGen CN239332.
Inborn genetic diseases. Identifiers: MedGen C0950123, MeSH D030342.

gnomAD v4.1: 14 of 1,614,068 alleles (0.00087%); highest among the groups gnomAD compares: African/African-American, 0.019%; no homozygotes.

Submissions (2):

Ambry Genetics
Classification: Uncertain significance for Inborn genetic diseases. Last evaluated: 2025-08-27. Review status: criteria provided, single submitter. Criteria: Ambry Variant Classification Scheme 2023. Collection method: clinical testing. Allele origin: germline.

PreventionGenetics, part of Exact Sciences
Classification: Uncertain significance for USH2A-related condition. Last evaluated: 2024-09-13. Review status: no assertion criteria provided. Collection method: clinical testing. Allele origin: germline. Not counted in ClinVar's aggregate classification.
Comment: The USH2A c.15158T>A variant is predicted to result in the amino acid substitution p.Ile5053Asn. To our knowledge, this variant has not been reported in the literature. This variant is reported in 0.020% of alleles in individuals of African descent in gnomAD. At this time, the clinical significance of this variant is uncertain due to the absence of conclusive functional and genetic evidence.

NM_206933.4(USH2A):c.15158T>A (p.Ile5053Asn)

Gene: USH2A (usherin; minus strand). Cytogenetic location: 1q41.
Variant type: single nucleotide variant.
Coding change: c.15158T>A on transcript NM_206933.4 (MANE Select); coding-DNA position 15158, T replaced by A.
Protein change: p.Ile5053Asn; replaces isoleucine 5053 with asparagine.
Molecular consequence: missense variant.
Genome position (GRCh38, 1-based): chr1:215,634,598, A>T on the plus strand (T>A on the coding strand, the complement: USH2A is on the minus strand). VCF-style: chr1-215634598-A-T. GRCh37 (hg19) VCF-style: chr1-215807940-A-T.
Other names: short protein forms I5053N.
Identifiers: ClinVar variation 3355643 (VCV003355643.2).